The following is an entry in ClinVar:

ClinVar aggregate classification (germline): Uncertain significance. Review status: criteria provided, multiple submitters, no conflicts (2 of 4 stars). 2 submissions from 2 submitters: Uncertain significance (2). Last evaluated 2023-10-01.

Conditions:
Retinal dystrophy. Also called: Inherited retinal dystrophy. Identifiers: Orphanet 71862, MedGen C0854723, MeSH D058499, MONDO:0019118, HP:0000556.
Usher syndrome type 2A. Also called: RETINAL DISEASE IN USHER SYNDROME TYPE IIA, MODIFIER OF; USHER SYNDROME, TYPE IIA. Identifiers: Orphanet 231178, Orphanet 886, MedGen C1848634, MONDO:0010169, OMIM 276901.

Submissions (2):

Dept Of Ophthalmology, Nagoya University
Classification: Uncertain significance for Retinal dystrophy. Last evaluated: 2023-10-01. Review status: criteria provided, single submitter. Criteria: Submitter's publication. Collection method: research. Allele origin: germline. Affected: yes.

3billion
Classification: Uncertain significance for Usher syndrome type 2A. Last evaluated: 2023-07-03. Review status: criteria provided, single submitter. Criteria: ACMG Guidelines, 2015. Collection method: clinical testing. Allele origin: germline. Affected: yes.
Comment: The variant is not observed in the gnomAD v2.1.1 dataset. Predicted Consequence/Location: Missense variant In silico tool predictions suggest damaging effect of the variant on gene or gene product (REVEL: 0.67; 3Cnet: 0.35). Therefore, this variant is classified as VUS according to the recommendation of ACMG/AMP guideline.

NM_206933.4(USH2A):c.12863C>A (p.Pro4288Gln)

Gene: USH2A (usherin; minus strand). Cytogenetic location: 1q41.
Variant type: single nucleotide variant.
Coding change: c.12863C>A on transcript NM_206933.4 (MANE Select); coding-DNA position 12863, C replaced by A.
Protein change: p.Pro4288Gln; replaces proline 4288 with glutamine.
Molecular consequence: missense variant.
Genome position (GRCh38, 1-based): chr1:215,675,048, G>T on the plus strand (C>A on the coding strand, the complement: USH2A is on the minus strand). VCF-style: chr1-215675048-G-T. GRCh37 (hg19) VCF-style: chr1-215848390-G-T.
Other names: short protein forms P4288Q.
Identifiers: ClinVar variation 3028658 (VCV003028658.2), dbSNP rs1352720909, ClinGen allele CA344848626.